The following is an entry in ClinVar:

NM_000092.5(COL4A4):c.1259_1261del (p.Gly420del)

Gene: COL4A4 (collagen type IV alpha 4 chain; minus strand). Cytogenetic location: 2q36.3.
Variant type: Deletion.
Coding change: c.1259_1261del on transcript NM_000092.5 (MANE Select); coding-DNA positions 1259 to 1261, 3 bases deleted (GAG; older notation c.1259_1261delGAG).
Protein change: p.Gly420del; deletes glycine 420.
Molecular consequence: inframe deletion.
Genome position (GRCh38, 1-based): chr2:227,094,233-227,094,235, CTC deleted on the plus strand (GAG on the coding strand, the reverse complement: COL4A4 is on the minus strand); deleting any 3 consecutive bases within chr2:227,094,233-227,094,237 gives the same sequence; the c. name uses the placement nearest the transcript's 3' end. VCF-style (leftmost placement, unchanged base first): chr2-227094232-TCTC-T. GRCh37 (hg19) VCF-style: chr2-227958948-TCTC-T.
Other names: p.(Gly420del); short protein forms G420del.
Identifiers: ClinVar variation 4884681 (VCV004884681.1).
Genomic context (GRCh38, chr2:227,094,232, plus strand): 5'-GGTGATCCTGGCTTCCCTGGTTTTCCTGGAGCAGAATCAGGTCTCCCAGGAATACCAGCT[TCTC>T]CTGGAAGCCCAGGAAGACCAGGAAATCCTTGTGGCCCAGGGGGTCCTATCATGCCTGCAA-3'

ClinVar aggregate classification (germline): Likely pathogenic. Review status: criteria provided, single submitter (1 of 4 stars). 2 submissions from 1 submitter: Likely pathogenic (2). Last evaluated 2026-04-16.

Conditions:
Autosomal recessive Alport syndrome (ATS2). Also called: COL4A4 Alport Syndrome and Thin Basement Membrane Nephropathy; ALPORT SYNDROME 2, AUTOSOMAL RECESSIVE; COL4A3-Related Nephropathy; Alport syndrome type 2. Identifiers: Orphanet 63, Orphanet 88919, MedGen C4746745, MONDO:0008762, OMIM 203780.
Hematuria, benign familial, 1 (BFH1). Also called: THIN MEMBRANE NEPHROPATHY. Identifiers: MedGen CN376803, MONDO:0007709, OMIM 141200.

Submissions (2):

Centre de Génétique Humaine, Institut de Pathologie Et de Génétique
Classification: Likely pathogenic for Autosomal recessive Alport syndrome. Last evaluated: 2026-04-16. Review status: criteria provided, single submitter. Criteria: ACMG Guidelines, 2015. Collection method: clinical testing. Allele origin: germline. Inheritance: Autosomal recessive inheritance. Affected: yes. Observed: 1 variant allele, 1 compound heterozygote. Segregation with disease not observed.
Comment: Inframe deletion of Gly420, residue located in collagenous region (PM1 and PM4). This variant is rare: absent in in gnomAD v4.1.0 database (PM2).

Centre de Génétique Humaine, Institut de Pathologie Et de Génétique
Classification: Likely pathogenic for Hematuria, benign familial, 1. Last evaluated: 2026-04-16. Review status: criteria provided, single submitter. Criteria: ACMG Guidelines, 2015. Collection method: clinical testing. Allele origin: maternal, germline. Inheritance: Autosomal dominant inheritance. Affected: yes. Observed: 2 variant alleles, 2 heterozygotes. Clinical features observed: Microscopic hematuria (HP:0002907). Segregation with disease observed.
Comment: the same text as in the submission from Centre de Génétique Humaine, Institut de Pathologie Et de Génétique above.